The following is an entry in ClinVar:

ClinVar aggregate classification (germline): Conflicting classifications of pathogenicity. Review status: criteria provided, conflicting classifications (1 of 4 stars). 19 submissions from 15 submitters: Uncertain significance (3); Benign (7); Likely benign (5). 4 of the submissions do not count toward it. Last evaluated 2026-06-01.

Conditions:
Dilated cardiomyopathy 1G (CMD1G). Identifiers: Orphanet 154, MedGen C1858763, MONDO:0011400, OMIM 604145.
Autosomal recessive limb-girdle muscular dystrophy type 2J (LGMDR10). Also called: Limb-girdle muscular dystrophy, type 2J; MUSCULAR DYSTROPHY, LIMB-GIRDLE, AUTOSOMAL RECESSIVE 10. Identifiers: Orphanet 140922, MedGen C1837342, MONDO:0012127, OMIM 608807.
Cardiovascular phenotype. Identifiers: MedGen CN230736.
Cardiomyopathy (CMYO). Also called: Cardiomyopathies. Identifiers: Orphanet 167848, MedGen C0878544, MONDO:0004994, HP:0001638. Inheritance: Various modes of inheritance.
Early-onset myopathy with fatal cardiomyopathy (CMYO5). Also called: Salih Myopathy; CONGENITAL MYOPATHY 5 WITH CARDIOMYOPATHY. Identifiers: Orphanet 289377, MedGen C2673677, MONDO:0012714, OMIM 611705. Disease mechanism: loss of function.
Myopathy, myofibrillar, 9, with early respiratory failure (MFM9). Also called: Hereditary myopathy with early respiratory failure; Myopathy, distal, with early respiratory failure, autosomal dominant; EDSTROM MYOPATHY; MYOPATHY, PROXIMAL, WITH EARLY RESPIRATORY MUSCLE INVOLVEMENT. Identifiers: Orphanet 178464, Orphanet 34521, MedGen C1863599, MONDO:0011362, OMIM 603689.
Tibial muscular dystrophy (TMD). Also called: Udd Distal Myopathy – Tibial Muscular Dystrophy; Tibial muscular dystrophy, tardive; UDD MYOPATHY. Identifiers: Orphanet 609, MedGen C1838244, MONDO:0010870, OMIM 600334.

Allele frequency attached by ClinVar (database versions not stated): gnomAD 0.00063 and 0.00064; gnomAD exomes 0.00068; TOPMed 0.00069; ExAC 0.00073; ESP Exome Variant Server 0.00082; 1000 Genomes Project 30x 0.00109; 1000 Genomes Project 0.00120.
gnomAD v4.1: 1,065 of 1,600,670 alleles (0.067%); highest among the groups gnomAD compares: Middle Eastern, 0.18%; no homozygotes.

Submissions (19):

CeGaT Center for Human Genetics Tuebingen
Classification: Likely benign. Last evaluated: 2026-06-01. Review status: criteria provided, single submitter. Criteria: CeGaT Center For Human Genetics Tuebingen Variant Classification Criteria Version 2. Collection method: clinical testing. Allele origin: germline. Affected: yes. Observed: 23 variant alleles.
Comment: TTN: BP4, BP7

Labcorp Genetics (formerly Invitae), Labcorp
Classification: Benign for Dilated cardiomyopathy 1G; Autosomal recessive limb-girdle muscular dystrophy type 2J. Last evaluated: 2026-02-03. Review status: criteria provided, single submitter. Criteria: Invitae Variant Classification Sherloc (09022015). Collection method: clinical testing. Allele origin: germline.

Molecular Diagnostic Laboratory for Inherited Cardiovascular Disease, Montreal Heart Institute
Classification: Benign. Last evaluated: 2025-04-09. Review status: criteria provided, single submitter. Criteria: ACMG Guidelines, 2015. Collection method: clinical testing. Allele origin: germline. Affected: no.

Blueprint Genetics
Classification: Likely benign. Last evaluated: 2024-11-05. Review status: criteria provided, single submitter. Criteria: ACMG Guidelines, 2015. Collection method: clinical testing. Allele origin: germline.

Women's Health and Genetics/Laboratory Corporation of America, LabCorp
Classification: Benign. Last evaluated: 2020-11-09. Review status: criteria provided, single submitter. Criteria: LabCorp Variant Classification Summary - May 2015. Collection method: clinical testing. Allele origin: germline.

Ambry Genetics
Classification: Likely benign for Cardiovascular phenotype. Last evaluated: 2019-12-23. Review status: criteria provided, single submitter. Criteria: Ambry Variant Classification Scheme 2023. Collection method: clinical testing. Allele origin: germline.

Illumina Laboratory Services, Illumina
Classification: Uncertain significance for Dilated cardiomyopathy 1G. Last evaluated: 2018-01-12. Review status: criteria provided, single submitter. Criteria: ICSL Variant Classification Criteria 13 December 2019. Collection method: clinical testing. Allele origin: germline.

Illumina Laboratory Services, Illumina
Classification: Uncertain significance for Autosomal recessive limb-girdle muscular dystrophy type 2J. Last evaluated: 2018-01-12. Review status: criteria provided, single submitter. Criteria: ICSL Variant Classification Criteria 13 December 2019. Collection method: clinical testing. Allele origin: germline.

Illumina Laboratory Services, Illumina
Classification: Uncertain significance for Early-onset myopathy with fatal cardiomyopathy. Last evaluated: 2018-01-12. Review status: criteria provided, single submitter. Criteria: ICSL Variant Classification Criteria 13 December 2019. Collection method: clinical testing. Allele origin: germline.

Illumina Laboratory Services, Illumina
Classification: Benign for Tibial muscular dystrophy. Last evaluated: 2018-01-12. Review status: criteria provided, single submitter. Criteria: ICSL Variant Classification Criteria 13 December 2019. Collection method: clinical testing. Allele origin: germline.
Comment: This variant was observed in the ICSL laboratory as part of a predisposition screen in an ostensibly healthy population. It had not been previously curated by ICSL or reported in the Human Gene Mutation Database (HGMD: prior to June 1st, 2018), and was therefore a candidate for classification through an automated scoring system. Utilizing variant allele frequency, disease prevalence and penetrance estimates, and inheritance mode, an automated score was calculated to assess if this variant is too frequent to cause the disease. Based on the score and internal cut-off values, a variant classified as benign is not then subjected to further curation. The score for this variant resulted in a classification of benign for this disease.

Illumina Laboratory Services, Illumina
Classification: Benign for Myopathy, myofibrillar, 9, with early respiratory failure. Last evaluated: 2018-01-12. Review status: criteria provided, single submitter. Criteria: ICSL Variant Classification Criteria 13 December 2019. Collection method: clinical testing. Allele origin: germline.
Comment: the same text as in the submission from Illumina Laboratory Services, Illumina above.

CHEO Genetics Diagnostic Laboratory, Children's Hospital of Eastern Ontario
Classification: Benign for Cardiomyopathy. Last evaluated: 2017-11-03. Review status: criteria provided, single submitter. Criteria: ACMG Guidelines, 2015. Collection method: clinical testing. Allele origin: germline.

GeneDx
Classification: Benign. Last evaluated: 2015-03-03. Review status: criteria provided, single submitter. Criteria: GeneDx Variant Classification Process June 2021. Collection method: clinical testing. Allele origin: germline. Affected: yes.

Eurofins Ntd Llc (ga)
Classification: Likely benign. Last evaluated: 2015-02-12. Review status: criteria provided, single submitter. Criteria: EGL Classification Definitions 2015. Collection method: clinical testing. Allele origin: germline. Observed: 2 variant alleles, 2 heterozygotes.

Laboratory for Molecular Medicine, Mass General Brigham Personalized Medicine
Classification: Likely benign. Last evaluated: 2012-03-19. Review status: criteria provided, single submitter. Criteria: LMM Criteria. Collection method: clinical testing. Allele origin: germline. Observed: 2 variant alleles.
Comment: Ile29738Ile in exon 297 of TTN: This variant is not expected to have clinical si gnificance because it does not alter an amino acid residue and is not located wi thin the splice consensus sequence. It has been identified in 0.1% (8/6652) of E uropean American chromosomes from a broad population by the NHLBI Exome Sequenci ng Project (dbSNP rs72648266). Ile29738Ile in exon 297 of TTN (rs72648266; allele frequency = 0.1%, 8/6652) **

Clinical Genetics DNA and cytogenetics Diagnostics Lab, Erasmus MC, Erasmus Medical Center
Classification: Likely benign. Review status: no assertion criteria provided. Collection method: clinical testing. Allele origin: germline. Affected: yes. Study: VKGL Data-share Consensus. Not counted in ClinVar's aggregate classification.

Clinical Genetics, Academic Medical Center
Classification: Benign. Review status: no assertion criteria provided. Collection method: clinical testing. Allele origin: germline. Affected: yes. Study: VKGL Data-share Consensus. Not counted in ClinVar's aggregate classification.

Diagnostic Laboratory, Department of Genetics, University Medical Center Groningen
Classification: Likely benign. Review status: no assertion criteria provided. Collection method: clinical testing. Allele origin: germline. Affected: yes. Study: VKGL Data-share Consensus. Not counted in ClinVar's aggregate classification.

Joint Genome Diagnostic Labs from Nijmegen and Maastricht, Radboudumc and MUMC+
Classification: Likely benign. Review status: no assertion criteria provided. Collection method: clinical testing. Allele origin: germline. Affected: yes. Study: VKGL Data-share Consensus. Not counted in ClinVar's aggregate classification.

NM_001267550.2(TTN):c.96918C>T (p.Ile32306=)

Genes: TTN (titin; minus strand), TTN-AS1 (TTN antisense RNA 1; plus strand), LOC126806421 (CDK7 strongly-dependent group 2 enhancer GRCh37_chr2:179407630-179408829; plus strand). Cytogenetic location: 2q31.2.
Variant type: single nucleotide variant.
Coding change: c.96918C>T on transcript NM_001267550.2 (MANE Select); coding-DNA position 96918, C replaced by T.
Protein change: p.Ile32306=; no amino-acid change (isoleucine 32306 retained).
Molecular consequence: synonymous variant.
Genome position (GRCh38, 1-based): chr2:178,542,936, G>A on the plus strand (C>T on the coding strand, the complement: TTN is on the minus strand). VCF-style: chr2-178542936-G-A. GRCh37 (hg19) VCF-style: chr2-179407663-G-A.
Other names: c.89214C>T, p.Ile29738= (NM_133378.4); c.91995C>T, p.Ile30665= (NM_001256850.1); c.69723C>T, p.Ile23241= (NM_003319.4); c.70098C>T, p.Ile23366= (NM_133432.3); c.70299C>T, p.Ile23433= (NM_133437.4).
Identifiers: ClinVar variation 47573 (VCV000047573.70), dbSNP rs72648266, ClinGen allele CA141384.